The following is an entry in ClinVar:

NM_001103.4(ACTN2):c.574C>T (p.Arg192Ter)

Gene: ACTN2 (actinin alpha 2; plus strand). Cytogenetic location: 1q43.
Variant type: single nucleotide variant.
Coding change: c.574C>T on transcript NM_001103.4 (MANE Select); coding-DNA position 574, C replaced by T.
Protein change: p.Arg192Ter; replaces arginine 192 with a stop codon.
Molecular consequence: nonsense. On other transcripts: 5 prime UTR variant (1).
Genome position (GRCh38, 1-based): chr1:236,727,715, C>T. VCF-style: chr1-236727715-C-T. GRCh37 (hg19) VCF-style: chr1-236891015-C-T.
Other names: c.574C>T, p.Arg192Ter (NM_001278343.2); c.-248C>T (NM_001278344.2); short protein forms R192*.
Identifiers: ClinVar variation 660714 (VCV000660714.11), dbSNP rs1253211384, ClinGen allele CA345375471.

ClinVar aggregate classification (germline): Conflicting classifications of pathogenicity. Review status: criteria provided, conflicting classifications (1 of 4 stars). 3 submissions from 3 submitters: Pathogenic (1); Uncertain significance (2). Last evaluated 2025-09-10.

Conditions:
Left ventricular noncompaction cardiomyopathy. Also called: left ventricular non-compaction cardiomyopathy. Identifiers: MedGen C4021133, HP:0011664.
Primary familial hypertrophic cardiomyopathy (HCM). Identifiers: Orphanet 99739, MedGen C0949658, MeSH D024741, MONDO:0024573. Inheritance: Various modes of inheritance.
Dilated cardiomyopathy 1AA (CMD1AA). Also called: Cardiomyopathy, dilated, 1AA, with or without LVNC; CARDIOMYOPATHY, DILATED, 1AA, WITH OR WITHOUT LEFT VENTRICULAR NONCOMPACTION; CARDIOMYOPATHY, FAMILIAL HYPERTROPHIC, 23, WITH OR WITHOUT LEFT VENTRICULAR NONCOMPACTION. Identifiers: Orphanet 154, MedGen C2677338, MONDO:0012808, OMIM 612158.

Allele frequency attached by ClinVar (database versions not stated): TOPMed below 0.00001; gnomAD 0.00001; gnomAD exomes 0.00001.
gnomAD v4.1: 13 of 1,614,024 alleles (0.00081%); highest among the groups gnomAD compares: Admixed American, 0.0017%; no homozygotes.

Submissions (3):

Labcorp Genetics (formerly Invitae), Labcorp
Classification: Uncertain significance for Primary familial hypertrophic cardiomyopathy; Dilated cardiomyopathy 1AA. Last evaluated: 2025-09-10. Review status: criteria provided, single submitter. Criteria: Invitae Variant Classification Sherloc (09022015). Collection method: clinical testing. Allele origin: germline.
Comment: This sequence change creates a premature translational stop signal (p.Arg192*) in the ACTN2 gene. It is expected to result in an absent or disrupted protein product. However, the current clinical and genetic evidence is not sufficient to establish whether loss-of-function variants in ACTN2 cause disease. This variant is present in population databases (no rsID available, gnomAD 0.003%). This premature translational stop signal has been observed in individual(s) with left ventricular noncompaction (PMID: 29447731, 31568572, 33476543, 33500567). ClinVar contains an entry for this variant (Variation ID: 660714). In summary, the available evidence is currently insufficient to determine the role of this variant in disease. Therefore, it has been classified as a Variant of Uncertain Significance.

GeneDx
Classification: Uncertain significance. Last evaluated: 2022-05-26. Review status: criteria provided, single submitter. Criteria: GeneDx Variant Classification Process June 2021. Collection method: clinical testing. Allele origin: germline. Affected: yes.
Comment: Observed in individuals with non-compaction cardiomyopathy, including one apparently de novo occurrence (van Waning et al., 2018; Khnisch et al., 2019; Mazzarotto et al., 2021; Schultze-Berndt et al., 2021); Not observed at significant frequency in large population cohorts (gnomAD); Nonsense variant predicted to result in protein truncation or nonsense mediated decay in a gene or region of a gene for which loss of function is not a well-established mechanism of disease; This variant is associated with the following publications: (PMID: 33500567, 34540771, 29447731, 33476543, 31568572)

Klaassen Lab, Charite University Medicine Berlin
Classification: Pathogenic for Left ventricular noncompaction cardiomyopathy. Review status: criteria provided, single submitter. Criteria: ACMG Guidelines, 2015. Collection method: research. Allele origin: germline. Affected: yes.

Literature cited by the submitters: PubMed 29447731 (cited by Labcorp Genetics (formerly Invitae), Labcorp); PubMed 31568572 (cited by Labcorp Genetics (formerly Invitae), Labcorp and Klaassen Lab, Charite University Medicine Berlin); PubMed 33476543 (cited by Labcorp Genetics (formerly Invitae), Labcorp); PubMed 33500567 (cited by Labcorp Genetics (formerly Invitae), Labcorp); PubMed 34540771 (cited by Klaassen Lab, Charite University Medicine Berlin); PubMed 31333075 (cited by Klaassen Lab, Charite University Medicine Berlin).